The following is an entry in ClinVar:

ClinVar aggregate classification (germline): Uncertain significance (1 of 4 stars; one submission).

Allele frequency attached by ClinVar (database versions not stated): gnomAD exomes below 0.00001; gnomAD 0.00001.
gnomAD v4.1: 3 of 1,609,634 alleles (0.00019%); highest among the groups gnomAD compares: Admixed American, 0.0033%; no homozygotes.

Submission:

Labcorp Genetics (formerly Invitae), Labcorp
Classification: Uncertain significance. Last evaluated: 2022-11-08. Review status: criteria provided, single submitter. Criteria: Invitae Variant Classification Sherloc (09022015). Collection method: clinical testing. Allele origin: germline.
Comment: ClinVar contains an entry for this variant (Variation ID: 1502326). This variant has not been reported in the literature in individuals affected with SEC63-related conditions. This variant is not present in population databases (gnomAD no frequency). This sequence change replaces histidine, which is basic and polar, with aspartic acid, which is acidic and polar, at codon 421 of the SEC63 protein (p.His421Asp). In summary, the available evidence is currently insufficient to determine the role of this variant in disease. Therefore, it has been classified as a Variant of Uncertain Significance. Algorithms developed to predict the effect of missense changes on protein structure and function (SIFT, PolyPhen-2, Align-GVGD) all suggest that this variant is likely to be tolerated.

NM_007214.5(SEC63):c.1261C>G (p.His421Asp)

Gene: SEC63 (SEC63 protein translocation regulator; minus strand). Cytogenetic location: 6q21.
Variant type: single nucleotide variant.
Coding change: c.1261C>G on transcript NM_007214.5 (MANE Select); coding-DNA position 1261, C replaced by G.
Protein change: p.His421Asp; replaces histidine 421 with aspartic acid.
Molecular consequence: missense variant.
Genome position (GRCh38, 1-based): chr6:107,901,466, G>C on the plus strand (C>G on the coding strand, the complement: SEC63 is on the minus strand). VCF-style: chr6-107901466-G-C. GRCh37 (hg19) VCF-style: chr6-108222670-G-C.
Other names: short protein forms H421D.
Identifiers: ClinVar variation 1502326 (VCV001502326.8), dbSNP rs1422509900, ClinGen allele CA365181507.